The following is an entry in ClinVar:

NM_170707.4(LMNA):c.235G>A (p.Ala79Thr)

Gene: LMNA (lamin A/C; plus strand). Cytogenetic location: 1q22.
Variant type: single nucleotide variant.
Coding change: c.235G>A on transcript NM_170707.4 (MANE Select); coding-DNA position 235, G replaced by A.
Protein change: p.Ala79Thr; replaces alanine 79 with threonine.
Molecular consequence: missense variant. On other transcripts: 5 prime UTR variant (8), intron variant (2).
Genome position (GRCh38, 1-based): chr1:156,115,153, G>A. VCF-style: chr1-156115153-G-A. GRCh37 (hg19) VCF-style: chr1-156084944-G-A.
Other names: c.235G>A, p.Ala79Thr (NM_001282625.2, NM_001282626.2, NM_001406983.1 and 6 more transcripts); c.-189G>A (NM_001406986.1); c.-167G>A (NM_001406990.1, NM_001406995.1, NM_001407002.1); c.-430G>A (NM_001406994.1, NM_001407000.1); c.-610G>A (NM_001406999.1); c.-273G>A (NM_001407001.1); c.-203+8330G>A (NM_001406993.1, NM_001407003.1); short protein forms A79T.
Identifiers: ClinVar variation 3072146 (VCV003072146.1), dbSNP rs2527833060, ClinGen allele CA342808377.

ClinVar aggregate classification (germline): Uncertain significance (1 of 4 stars; one submission).

Conditions:
Primary dilated cardiomyopathy (DCM). Also called: Dilated Cardiomyopathy. Identifiers: Orphanet 217604, MedGen C0007193, MeSH D002311, MONDO:0005021, HP:0001644. Inheritance: Various modes of inheritance.

Allele frequency attached by ClinVar (database versions not stated): gnomAD exomes below 0.00001.

Submission:

All of Us Research Program, National Institutes of Health
Classification: Uncertain significance for Primary dilated cardiomyopathy. Last evaluated: 2023-06-26. Review status: criteria provided, single submitter. Criteria: ACMG Guidelines, 2015. Collection method: clinical testing. Allele origin: germline. Inheritance: Autosomal dominant inheritance. Observed: 1 variant allele, 1 heterozygote.
Comment: This missense variant replaces alanine with threonine at codon 79 of the LMNA protein. Computational prediction suggests that this variant may not impact protein structure and function (internally defined REVEL score threshold <= 0.5, PMID: 27666373). To our knowledge, functional studies have not been reported for this variant. This variant has not been reported in individuals affected with LMNA-related disorders in the literature. This variant has not been identified in the general population by the Genome Aggregation Database (gnomAD). The available evidence is insufficient to determine the role of this variant in disease conclusively. Therefore, this variant is classified as a Variant of Uncertain Significance.

This study involves interpretation of variants in research participants for the purpose of population health screening. Participant phenotype was not available at the time of variant classification. Additional details can be found in publication PMID: 35346344, PMCID: PMC8962531